The following is an entry in ClinVar:

ClinVar aggregate classification (germline): Pathogenic (1 of 4 stars; one submission).

Conditions:
Primary ciliary dyskinesia. Also called: Ciliary dyskinesia. Identifiers: Orphanet 244, MedGen C0008780, MONDO:0016575, HP:0012265.

Submission:

Ambry Genetics
Classification: Pathogenic for Primary ciliary dyskinesia. Last evaluated: 2021-07-12. Review status: criteria provided, single submitter. Criteria: Ambry Variant Classification Scheme 2023. Collection method: clinical testing. Allele origin: germline.
Comment: The c.935+1G>T intronic variant results from a G to T substitution one nucleotide after coding exon 9 of the OFD1 gene. Alterations that disrupt the canonical splice site are expected to cause aberrant splicing, resulting in an abnormal protein or a transcript that is subject to nonsense-mediated mRNA decay. Based on data from the Genome Aggregation Database (gnomAD), the OFD1 c.935+1G>T alteration was not observed, with coverage at this position. This nucleotide position is highly conserved in available vertebrate species. In silico splice site analysis predicts that this alteration will weaken the native splice donor site and may result in the creation or strengthening of a novel splice donor site. Based on the available evidence, this alteration is classified as pathogenic.

NM_003611.3(OFD1):c.935+1G>T

Gene: OFD1 (OFD1 centriole and centriolar satellite protein; plus strand). Cytogenetic location: Xp22.2.
Variant type: single nucleotide variant.
Coding change: c.935+1G>T on transcript NM_003611.3 (MANE Select); the canonical splice donor site of the intron after coding-DNA position 935, G replaced by T.
Molecular consequence: splice donor variant.
Genome position (GRCh38, 1-based): chrX:13,749,534, G>T. VCF-style: chrX-13749534-G-T. GRCh37 (hg19) VCF-style: chrX-13767653-G-T.
Other names: c.515+1G>T (NM_001330210.2); c.935+1G>T (NM_001330209.2).
Identifiers: ClinVar variation 2231684 (VCV002231684.2), dbSNP rs2518857883, ClinGen allele CA412339148.